The following is an entry in ClinVar:

ClinVar aggregate classification (germline): Benign/Likely benign. Review status: criteria provided, multiple submitters, no conflicts (2 of 4 stars). 6 submissions from 6 submitters: Benign (1); Likely benign (3). 2 of the submissions do not count toward it. Last evaluated 2025-11-10.

Conditions:
Spondyloepimetaphyseal dysplasia, PAPSS2 type. Also called: SEMD, PAKISTANI TYPE; BRACHYOLMIA TYPE 4 WITH MILD EPIPHYSEAL AND METAPHYSEAL CHANGES; SPONDYLODYSPLASIA AND PREMATURE PUBARCHE. Identifiers: Orphanet 93282, MedGen C2748516, MONDO:0019666, OMIM 612847.

Submissions (6):

Labcorp Genetics (formerly Invitae), Labcorp
Classification: Benign for Spondyloepimetaphyseal dysplasia, PAPSS2 type. Last evaluated: 2025-11-10. Review status: criteria provided, single submitter. Criteria: Invitae Variant Classification Sherloc (09022015). Collection method: clinical testing. Allele origin: germline.

Mayo Clinic Laboratories, Mayo Clinic
Classification: Likely benign. Last evaluated: 2025-08-27. Review status: criteria provided, single submitter. Criteria: ACMG Guidelines, 2015. Collection method: clinical testing. Allele origin: germline. Observed: 1 variant allele.
Comment: BP4, BP7

Laboratory of Genetics, Children's Clinical University Hospital Latvia
Classification: Likely benign. Last evaluated: 2025-02-16. Review status: criteria provided, single submitter. Criteria: ACMG Guidelines, 2015. Collection method: clinical testing. Allele origin: germline. Affected: yes.

Blueprint Genetics
Classification: Likely benign. Last evaluated: 2024-11-27. Review status: criteria provided, single submitter. Criteria: ACMG Guidelines, 2015. Collection method: clinical testing. Allele origin: germline.

Clinical Genetics DNA and cytogenetics Diagnostics Lab, Erasmus MC, Erasmus Medical Center
Classification: Likely benign. Review status: no assertion criteria provided. Collection method: clinical testing. Allele origin: germline. Affected: yes. Study: VKGL Data-share Consensus. Not counted in ClinVar's aggregate classification.

Laboratory of Diagnostic Genome Analysis, Leiden University Medical Center (LUMC)
Classification: Likely benign. Review status: no assertion criteria provided. Collection method: clinical testing. Allele origin: germline. Affected: yes. Study: VKGL Data-share Consensus. Not counted in ClinVar's aggregate classification.

NM_001015880.2(PAPSS2):c.381+24del

Gene: PAPSS2 (3'-phosphoadenosine 5'-phosphosulfate synthase 2; plus strand). Cytogenetic location: 10q23.31.
Variant type: Deletion.
Coding change: c.381+24del on transcript NM_001015880.2 (MANE Select); 24 bases into the intron after coding-DNA position 381, one base deleted (A; older notation c.381+24delA).
Molecular consequence: intron variant.
Genome position (GRCh38, 1-based): chr10:87,713,334, A deleted; the last of 22 consecutive A bases (chr10:87,713,313-87,713,334); deleting any one gives the same sequence. VCF-style (leftmost placement, unchanged base first): chr10-87713312-TA-T. GRCh37 (hg19) VCF-style: chr10-89473069-TA-T.
Other names: p.?; c.381+24del (NM_004670.4).
Identifiers: ClinVar variation 1169154 (VCV001169154.14), dbSNP rs367885911, ClinGen allele CA470971428.